The following is an entry in ClinVar:

NM_024334.3(TMEM43):c.589A>G (p.Ile197Val)

Gene: TMEM43 (transmembrane protein 43; plus strand). Cytogenetic location: 3p25.1.
Variant type: single nucleotide variant.
Coding change: c.589A>G on transcript NM_024334.3 (MANE Select); coding-DNA position 589, A replaced by G.
Protein change: p.Ile197Val; replaces isoleucine 197 with valine.
Molecular consequence: missense variant.
Genome position (GRCh38, 1-based): chr3:14,134,775, A>G. VCF-style: chr3-14134775-A-G. GRCh37 (hg19) VCF-style: chr3-14176275-A-G.
Other names: c.592A>G, p.Ile198Val (NM_001407274.1); c.589A>G, p.Ile197Val (NM_001407275.1, NM_001407276.1, NM_001407277.1 and 1 more transcripts); c.574A>G, p.Ile192Val (NM_001407278.1); c.439A>G, p.Ile147Val (NM_001407280.1); short protein forms I147V, I192V, I198V, I197V.
Identifiers: ClinVar variation 4693360 (VCV004693360.1).

ClinVar aggregate classification (germline): Uncertain significance (1 of 4 stars; one submission).

Conditions:
Arrhythmogenic right ventricular dysplasia 5. Also called: Arrhythmogenic Right Ventricular Dysplasia/Cardiomyopathy 5; ARRHYTHMOGENIC RIGHT VENTRICULAR DYSPLASIA, FAMILIAL, 5. Identifiers: MedGen C1858379, MONDO:0011459, OMIM 604400.

gnomAD v4.1: 1 of 1,614,118 alleles (0.000062%); highest among the groups gnomAD compares: Non-Finnish European, 0.000085%; no homozygotes.

Submission:

Labcorp Genetics (formerly Invitae), Labcorp
Classification: Uncertain significance for Arrhythmogenic right ventricular dysplasia 5. Last evaluated: 2025-03-09. Review status: criteria provided, single submitter. Criteria: Invitae Variant Classification Sherloc (09022015). Collection method: clinical testing. Allele origin: germline.
Comment: This sequence change replaces isoleucine, which is neutral and non-polar, with valine, which is neutral and non-polar, at codon 197 of the TMEM43 protein (p.Ile197Val). This variant is not present in population databases (gnomAD no frequency). This variant has not been reported in the literature in individuals affected with TMEM43-related conditions. Invitae Evidence Modeling of protein sequence and biophysical properties (such as structural, functional, and spatial information, amino acid conservation, physicochemical variation, residue mobility, and thermodynamic stability) indicates that this missense variant is not expected to disrupt TMEM43 protein function with a negative predictive value of 80%. In summary, the available evidence is currently insufficient to determine the role of this variant in disease. Therefore, it has been classified as a Variant of Uncertain Significance.